The following is an entry in ClinVar:

ClinVar aggregate classification (germline): Uncertain significance (1 of 4 stars; one submission).

Conditions:
Cardiomyopathy (CMYO). Also called: Cardiomyopathies. Identifiers: Orphanet 167848, MedGen C0878544, MONDO:0004994, HP:0001638. Inheritance: Various modes of inheritance.

Submission:

Color Diagnostics, LLC DBA Color Health
Classification: Uncertain significance for Cardiomyopathy. Last evaluated: 2020-02-06. Review status: criteria provided, single submitter. Criteria: ACMG Guidelines, 2015. Collection method: clinical testing. Allele origin: germline.
Comment: This variant causes a G>T nucleotide substitution at the +1 position of intron 6 of the PKP2 gene. Splice prediction tools suggest that this variant may disrupt splicing. This variant is predicted to cause skipping of exon 6 of the PKP2 transcript NM_004572.3. However, this exon is alternatively spliced and is absent in the predominant isoform expressed in the heart (NM_001005242, PMID: 21378009). To our knowledge, functional studies have not been performed for this variant. This variant has not been reported in individuals affected with cardiovascular disorders in the literature. This variant has not been identified in the general population by the Genome Aggregation Database (gnomAD). The available evidence is insufficient to determine the role of this variant in disease conclusively. Therefore, this variant is classified as a Variant of Uncertain Significance.

NM_001005242.3(PKP2):c.1379-1976G>T

Gene: PKP2 (plakophilin 2; minus strand). Cytogenetic location: 12p11.21.
Variant type: single nucleotide variant.
Coding change: c.1379-1976G>T on transcript NM_001005242.3 (MANE Select); 1976 bases into the intron before coding-DNA position 1379, G replaced by T.
Molecular consequence: intron variant. On other transcripts: splice donor variant (2).
Genome position (GRCh38, 1-based): chr12:32,843,181, C>A on the plus strand (G>T on the coding strand, the complement: PKP2 is on the minus strand). VCF-style: chr12-32843181-C-A. GRCh37 (hg19) VCF-style: chr12-32996115-C-A.
Other names: c.1379-1976G>T (NM_001407156.1, NM_001407155.1, NM_001407161.1); c.1510+1G>T (NM_004572.4, NM_001407157.1); c.1052-1976G>T (NM_001407160.1, NM_001407159.1, NM_001407158.1 and 1 more transcripts).
Identifiers: ClinVar variation 924249 (VCV000924249.3), dbSNP rs1332615728, ClinGen allele CA384368536.